The following is an entry in ClinVar:

NM_000199.5(SGSH):c.980C>T (p.Ser327Leu)

Gene: SGSH (N-sulfoglucosamine sulfohydrolase; minus strand). Cytogenetic location: 17q25.3.
Variant type: single nucleotide variant.
Coding change: c.980C>T on transcript NM_000199.5 (MANE Select); coding-DNA position 980, C replaced by T.
Protein change: p.Ser327Leu; replaces serine 327 with leucine.
Molecular consequence: missense variant. On other transcripts: 3 prime UTR variant (2), non-coding transcript variant (1).
Genome position (GRCh38, 1-based): chr17:80,210,981, G>A on the plus strand (C>T on the coding strand, the complement: SGSH is on the minus strand). VCF-style: chr17-80210981-G-A. GRCh37 (hg19) VCF-style: chr17-78184780-G-A.
Other names: c.*67C>T (NM_001352921.3); c.*30C>T (NM_001352922.2); short protein forms S327L.
Identifiers: ClinVar variation 2157692 (VCV002157692.1), dbSNP rs1453784971, ClinGen allele CA401359389.

ClinVar aggregate classification (germline): Uncertain significance (1 of 4 stars; one submission).

Conditions:
Mucopolysaccharidosis, MPS-III-A (MPS3A). Also called: HEPARAN SULFATE SULFATASE DEFICIENCY; SANFILIPPO SYNDROME A; SULFAMIDASE DEFICIENCY; MPS III A; Mucopolysaccharidosis, type IIIA; MUCOPOLYSACCHARIDOSIS, TYPE IIIA, ATTENUATED. Identifiers: Orphanet 581, Orphanet 79269, MedGen C0086647, MONDO:0009655, OMIM 252900.

Allele frequency attached by ClinVar (database versions not stated): TOPMed below 0.00001.
gnomAD v4.1: 10 of 1,599,346 alleles (0.00063%); highest among the groups gnomAD compares: Middle Eastern, 0.033%; no homozygotes.

Submission:

Labcorp Genetics (formerly Invitae), Labcorp
Classification: Uncertain significance for Mucopolysaccharidosis, MPS-III-A. Last evaluated: 2022-06-08. Review status: criteria provided, single submitter. Criteria: Invitae Variant Classification Sherloc (09022015). Collection method: clinical testing. Allele origin: germline.
Comment: This sequence change replaces serine, which is neutral and polar, with leucine, which is neutral and non-polar, at codon 327 of the SGSH protein (p.Ser327Leu). This variant is present in population databases (no rsID available, gnomAD 0.0009%). This variant has not been reported in the literature in individuals affected with SGSH-related conditions. Algorithms developed to predict the effect of missense changes on protein structure and function are either unavailable or do not agree on the potential impact of this missense change (SIFT: "Deleterious"; PolyPhen-2: "Possibly Damaging"; Align-GVGD: "Class C0"). In summary, the available evidence is currently insufficient to determine the role of this variant in disease. Therefore, it has been classified as a Variant of Uncertain Significance.